The following is an entry in ClinVar:

ClinVar aggregate classification (germline): Uncertain significance (1 of 4 stars; one submission).

gnomAD v4.1: 2 of 1,613,782 alleles (0.00012%); highest among the groups gnomAD compares: Non-Finnish European, 0.00017%; no homozygotes.

Submission:

Labcorp Genetics (formerly Invitae), Labcorp
Classification: Uncertain significance. Last evaluated: 2025-03-19. Review status: criteria provided, single submitter. Criteria: Invitae Variant Classification Sherloc (09022015). Collection method: clinical testing. Allele origin: germline.
Comment: This sequence change replaces cysteine, which is neutral and slightly polar, with serine, which is neutral and polar, at codon 495 of the CFI protein (p.Cys495Ser). This variant is present in population databases (no rsID available, gnomAD 0.0009%). This variant has not been reported in the literature in individuals affected with CFI-related conditions. Invitae Evidence Modeling of protein sequence and biophysical properties (such as structural, functional, and spatial information, amino acid conservation, physicochemical variation, residue mobility, and thermodynamic stability) indicates that this missense variant is expected to disrupt CFI protein function with a positive predictive value of 80%. In summary, the available evidence is currently insufficient to determine the role of this variant in disease. Therefore, it has been classified as a Variant of Uncertain Significance.

NM_000204.5(CFI):c.1484G>C (p.Cys495Ser)

Gene: CFI (complement factor I; minus strand). Cytogenetic location: 4q25.
Variant type: single nucleotide variant.
Coding change: c.1484G>C on transcript NM_000204.5 (MANE Select); coding-DNA position 1484, G replaced by C.
Protein change: p.Cys495Ser; replaces cysteine 495 with serine.
Molecular consequence: missense variant. On other transcripts: non-coding transcript variant (3).
Genome position (GRCh38, 1-based): chr4:109,742,541, C>G on the plus strand (G>C on the coding strand, the complement: CFI is on the minus strand). VCF-style: chr4-109742541-C-G. GRCh37 (hg19) VCF-style: chr4-110663697-C-G.
Other names: c.1508G>C, p.Cys503Ser (NM_001318057.2, NM_001375278.1, NM_001440988.1); c.1463G>C, p.Cys488Ser (NM_001331035.2, NM_001375280.1, NM_001375282.1 and 1 more transcripts); c.1484G>C, p.Cys495Ser (NM_001375279.1, NM_001375281.1, NM_001440989.1); c.1427G>C, p.Cys476Ser (NM_001375283.1); c.875G>C, p.Cys292Ser (NM_001375284.1); c.1505G>C, p.Cys502Ser (NM_001440985.1, NM_001440986.1); short protein forms C495S, C502S, C476S, C488S, C292S, C503S.
Identifiers: ClinVar variation 4769161 (VCV004769161.1).